The following is an entry in ClinVar:

NM_000051.4(ATM):c.3915C>G (p.Asp1305Glu)

Gene: ATM (ATM serine/threonine kinase; plus strand). Cytogenetic location: 11q22.3.
Variant type: single nucleotide variant.
Coding change: c.3915C>G on transcript NM_000051.4 (MANE Select); coding-DNA position 3915, C replaced by G.
Protein change: p.Asp1305Glu; replaces aspartic acid 1305 with glutamic acid.
Molecular consequence: missense variant.
Genome position (GRCh38, 1-based): chr11:108,284,395, C>G. VCF-style: chr11-108284395-C-G. GRCh37 (hg19) VCF-style: chr11-108155122-C-G.
Other names: c.3915C>G, p.Asp1305Glu (NM_001351834.2); short protein forms D1305E.
Identifiers: ClinVar variation 824374 (VCV000824374.6), dbSNP rs1429663437, ClinGen allele CA382525748.

ClinVar aggregate classification (germline): Uncertain significance. Review status: criteria provided, multiple submitters, no conflicts (2 of 4 stars). 2 submissions from 2 submitters: Uncertain significance (2). Last evaluated 2024-04-19.

Conditions:
Ataxia-telangiectasia syndrome (AT). Also called: ATAXIA-TELANGIECTASIA, COMPLEMENTATION GROUP A; ATAXIA-TELANGIECTASIA, FRESNO VARIANT; Ataxia-telangiectasia, complementation group E; Ataxia telangiectasia (A-T); LOUIS-BAR SYNDROME; Cerebello-oculocutaneous telangiectasia. Identifiers: Orphanet 100, MedGen C0004135, MONDO:0008840, OMIM 208900.
Hereditary cancer-predisposing syndrome. Also called: Neoplastic Syndromes, Hereditary; Hereditary Cancer Syndrome; Hereditary neoplastic syndrome; Tumor predisposition. Identifiers: Orphanet 140162, MedGen C0027672, MeSH D009386, MONDO:0015356.

Submissions (2):

Labcorp Genetics (formerly Invitae), Labcorp
Classification: Uncertain significance for Ataxia-telangiectasia syndrome. Last evaluated: 2024-04-19. Review status: criteria provided, single submitter. Criteria: Invitae Variant Classification Sherloc (09022015). Collection method: clinical testing. Allele origin: germline.
Comment: This sequence change replaces aspartic acid, which is acidic and polar, with glutamic acid, which is acidic and polar, at codon 1305 of the ATM protein (p.Asp1305Glu). This variant is not present in population databases (gnomAD no frequency). This variant has not been reported in the literature in individuals affected with ATM-related conditions. ClinVar contains an entry for this variant (Variation ID: 824374). Algorithms developed to predict the effect of missense changes on protein structure and function output the following: SIFT: "Not Available"; PolyPhen-2: "Benign"; Align-GVGD: "Not Available". The glutamic acid amino acid residue is found in multiple mammalian species, which suggests that this missense change does not adversely affect protein function. In summary, the available evidence is currently insufficient to determine the role of this variant in disease. Therefore, it has been classified as a Variant of Uncertain Significance.

Ambry Genetics
Classification: Uncertain significance for Hereditary cancer-predisposing syndrome. Last evaluated: 2019-05-23. Review status: criteria provided, single submitter. Criteria: Ambry Variant Classification Scheme 2023. Collection method: clinical testing. Allele origin: germline.
Comment: The p.D1305E variant (also known as c.3915C>G), located in coding exon 25 of the ATM gene, results from a C to G substitution at nucleotide position 3915. The aspartic acid at codon 1305 is replaced by glutamic acid, an amino acid with highly similar properties. This amino acid position is well conserved in available vertebrate species. In addition, this alteration is predicted to be tolerated by in silico analysis. Since supporting evidence is limited at this time, the clinical significance of this alteration remains unclear.